The following is an entry in ClinVar:

NM_005477.3(HCN4):c.277T>A (p.Cys93Ser)

Gene: HCN4 (hyperpolarization activated cyclic nucleotide gated potassium channel 4; minus strand). Cytogenetic location: 15q24.1.
Variant type: single nucleotide variant.
Coding change: c.277T>A on transcript NM_005477.3 (MANE Select); coding-DNA position 277, T replaced by A.
Protein change: p.Cys93Ser; replaces cysteine 93 with serine.
Molecular consequence: missense variant.
Genome position (GRCh38, 1-based): chr15:73,367,994, A>T on the plus strand (T>A on the coding strand, the complement: HCN4 is on the minus strand). VCF-style: chr15-73367994-A-T. GRCh37 (hg19) VCF-style: chr15-73660335-A-T.
Other names: short protein forms C93S.
Identifiers: ClinVar variation 5020315 (VCV005020315.1).

ClinVar aggregate classification (germline): Uncertain significance (1 of 4 stars; one submission).

Submission:

Dasa
Classification: Uncertain significance. Last evaluated: 2026-06-23. Review status: criteria provided, single submitter. Criteria: DASA Assertion Criteria. Collection method: clinical testing. Allele origin: germline.
Comment: NM_005477.3(HCN4):c.277T>A (p.Cys93Ser) is a missense variant that results in the substitution of cysteine with serine. This variant is rare in population databases. Computational prediction algorithms are consistent with a deleterious effect. The currently available literature and clinical evidence are not sufficient to establish a definitive association between this variant and the reported condition. Therefore, this variant is classified as a variant of uncertain significance.